The following is an entry in ClinVar:

ClinVar aggregate classification (germline): Pathogenic/Likely pathogenic. Review status: criteria provided, multiple submitters, no conflicts (2 of 4 stars). 4 submissions from 4 submitters: Pathogenic (3); Likely pathogenic (1). Last evaluated 2024-05-02.

Conditions:
Hereditary cancer-predisposing syndrome. Also called: Neoplastic Syndromes, Hereditary; Tumor predisposition; Hereditary Cancer Syndrome; Hereditary neoplastic syndrome. Identifiers: Orphanet 140162, MedGen C0027672, MeSH D009386, MONDO:0015356.
Ataxia-telangiectasia syndrome (AT). Also called: Ataxia telangiectasia (A-T); ATAXIA-TELANGIECTASIA, COMPLEMENTATION GROUP A; ATAXIA-TELANGIECTASIA, FRESNO VARIANT; Ataxia-telangiectasia; Ataxia-telangiectasia, complementation group E; LOUIS-BAR SYNDROME. Identifiers: Orphanet 100, MedGen C0004135, MONDO:0008840, OMIM 208900.
Familial cancer of breast. Also called: Hereditary breast cancer; hereditary breast carcinoma; BREAST CANCER, FAMILIAL. Identifiers: Orphanet 227535, MedGen C0346153, MONDO:0016419, OMIM 114480. Disease mechanism: loss of function.

Submissions (4):

Labcorp Genetics (formerly Invitae), Labcorp
Classification: Pathogenic for Ataxia-telangiectasia syndrome. Last evaluated: 2024-05-02. Review status: criteria provided, single submitter. Criteria: Invitae Variant Classification Sherloc (09022015). Collection method: clinical testing. Allele origin: germline.
Comment: This sequence change creates a premature translational stop signal (p.Arg2151Glnfs*10) in the ATM gene. It is expected to result in an absent or disrupted protein product. Loss-of-function variants in ATM are known to be pathogenic (PMID: 23807571, 25614872). This variant is not present in population databases (gnomAD no frequency). This variant has not been reported in the literature in individuals affected with ATM-related conditions. ClinVar contains an entry for this variant (Variation ID: 1076920). For these reasons, this variant has been classified as Pathogenic.

Myriad Genetics, Inc.
Classification: Pathogenic for Familial cancer of breast. Last evaluated: 2024-01-29. Review status: criteria provided, single submitter. Criteria: Myriad Autosomal Dominant, Autosomal Recessive and X-Linked Classification Criteria (2023). Collection method: clinical testing. Allele origin: unknown.
Comment: This variant is considered pathogenic. This variant creates a frameshift predicted to result in premature protein truncation.

Baylor Genetics
Classification: Likely pathogenic for Familial cancer of breast. Last evaluated: 2023-12-21. Review status: criteria provided, single submitter. Criteria: ACMG Guidelines, 2015. Collection method: clinical testing. Allele origin: unknown.

Ambry Genetics
Classification: Pathogenic for Hereditary cancer-predisposing syndrome. Last evaluated: 2023-08-01. Review status: criteria provided, single submitter. Criteria: Ambry Variant Classification Scheme 2023. Collection method: clinical testing. Allele origin: germline.
Comment: The c.6450dupC pathogenic mutation, located in coding exon 43 of the ATM gene, results from a duplication of C at nucleotide position 6450, causing a translational frameshift with a predicted alternate stop codon (p.R2151Qfs*10). This alteration is expected to result in loss of function by premature protein truncation or nonsense-mediated mRNA decay. As such, this alteration is interpreted as a disease-causing mutation.

Literature cited by the submitters: PubMed 23807571 (cited by Labcorp Genetics (formerly Invitae), Labcorp); PubMed 25614872 (cited by Labcorp Genetics (formerly Invitae), Labcorp).

NM_000051.4(ATM):c.6450dup (p.Arg2151fs)

Genes: ATM (ATM serine/threonine kinase; plus strand), C11orf65 (chromosome 11 open reading frame 65; minus strand). Cytogenetic location: 11q22.3.
Variant type: Duplication.
Coding change: c.6450dup on transcript NM_000051.4 (MANE Select); coding-DNA position 6450, one base duplicated (C; older notation c.6450dupC).
Protein change: p.Arg2151fs; shifts the reading frame from arginine 2151.
Molecular consequence: frameshift variant. On other transcripts: intron variant (2).
Genome position (GRCh38, 1-based): chr11:108,320,056, C duplicated; the last of 2 consecutive C bases (chr11:108,320,055-108,320,056); duplicating either gives the same sequence. VCF-style (leftmost placement, unchanged base first): chr11-108320054-G-GC. GRCh37 (hg19) VCF-style: chr11-108190781-G-GC.
Other names: c.6450dup, p.Arg2151fs (NM_001351834.2); c.641-10984dup (NM_001330368.2); c.*39-10984dup (NM_001351110.2); c.6450dupC (NM_000051.3); short protein forms R2151fs.
Identifiers: ClinVar variation 1076920 (VCV001076920.11), dbSNP rs2136222670, ClinGen allele CA2499220685.